The following is an entry in ClinVar:

NM_001270974.2(HYDIN):c.7837G>A (p.Ala2613Thr)

Gene: HYDIN (HYDIN axonemal central pair apparatus protein; minus strand). Cytogenetic location: 16q22.2.
Variant type: single nucleotide variant.
Coding change: c.7837G>A on transcript NM_001270974.2 (MANE Select); coding-DNA position 7837, G replaced by A.
Protein change: p.Ala2613Thr; replaces alanine 2613 with threonine.
Molecular consequence: missense variant.
Genome position (GRCh38, 1-based): chr16:70,918,378, C>T on the plus strand (G>A on the coding strand, the complement: HYDIN is on the minus strand). VCF-style: chr16-70918378-C-T. GRCh37 (hg19) VCF-style: chr16-70952281-C-T.
Other names: short protein forms A2613T.
Identifiers: ClinVar variation 2646742 (VCV002646742.24), dbSNP rs201369863, ClinGen allele CA283513928.

ClinVar aggregate classification (germline): Likely benign (1 of 4 stars; one submission).

Submission:

CeGaT Center for Human Genetics Tuebingen
Classification: Likely benign. Last evaluated: 2023-03-01. Review status: criteria provided, single submitter. Criteria: CeGaT Center For Human Genetics Tuebingen Variant Classification Criteria Version 2. Collection method: clinical testing. Allele origin: germline. Affected: yes. Observed: 2 variant alleles.
Comment: HYDIN: BP4